The following is an entry in ClinVar:

ClinVar aggregate classification (germline): Benign/Likely benign. Review status: criteria provided, multiple submitters, no conflicts (2 of 4 stars). 8 submissions from 8 submitters: Benign (7); Likely benign (1). Last evaluated 2026-02-02.

Conditions:
MEGF10-related myopathy (CMYO10A). Also called: Congenital myopathy 10A, severe variant. Identifiers: Orphanet 439212, MedGen C3280679, MONDO:0013731, OMIM 614399.

Allele frequency attached by ClinVar (database versions not stated): ESP Exome Variant Server 0.00969; TOPMed 0.01788; 1000 Genomes Project 30x 0.04419; 1000 Genomes Project 0.04732.
gnomAD v4.1: 31,307 of 1,612,208 alleles (1.9%); highest among the groups gnomAD compares: East Asian, 11%; 832 homozygotes.

Submissions (8):

Labcorp Genetics (formerly Invitae), Labcorp
Classification: Benign for MEGF10-related myopathy. Last evaluated: 2026-02-02. Review status: criteria provided, single submitter. Criteria: Invitae Variant Classification Sherloc (09022015). Collection method: clinical testing. Allele origin: germline.

Blueprint Genetics
Classification: Likely benign. Last evaluated: 2024-11-25. Review status: criteria provided, single submitter. Criteria: ACMG Guidelines, 2015. Collection method: clinical testing. Allele origin: germline.

Athena Diagnostics
Classification: Benign. Last evaluated: 2024-01-11. Review status: criteria provided, single submitter. Criteria: Athena Diagnostics Criteria. Collection method: clinical testing. Allele origin: unknown.

Mayo Clinic Laboratories, Mayo Clinic
Classification: Benign. Last evaluated: 2018-01-18. Review status: criteria provided, single submitter. Criteria: ACMG Guidelines, 2015. Collection method: clinical testing. Allele origin: germline. Observed: 18 variant alleles.

Illumina Laboratory Services, Illumina
Classification: Benign for MEGF10-related myopathy. Last evaluated: 2018-01-12. Review status: criteria provided, single submitter. Criteria: ICSL Variant Classification Criteria 13 December 2019. Collection method: clinical testing. Allele origin: germline.
Comment: This variant was observed in the ICSL laboratory as part of a predisposition screen in an ostensibly healthy population. It had not been previously curated by ICSL or reported in the Human Gene Mutation Database (HGMD: prior to June 1st, 2018), and was therefore a candidate for classification through an automated scoring system. Utilizing variant allele frequency, disease prevalence and penetrance estimates, and inheritance mode, an automated score was calculated to assess if this variant is too frequent to cause the disease. Based on the score and internal cut-off values, a variant classified as benign is not then subjected to further curation. The score for this variant resulted in a classification of benign for this disease.

Laboratory for Molecular Medicine, Mass General Brigham Personalized Medicine
Classification: Benign. Last evaluated: 2016-03-29. Review status: criteria provided, single submitter. Criteria: LMM Criteria. Collection method: clinical testing. Allele origin: germline.
Comment: Variant identified in a genome or exome case(s) and assessed due to predicted null impact of the variant or pathogenic assertions in the literature or databases. Disclaimer: This variant has not undergone full assessment. The following are preliminary notes: 3.1% of total chromosomes in ExAC, 11% of E. Asian chromosomes

GeneDx
Classification: Benign. Last evaluated: 2016-03-10. Review status: criteria provided, single submitter. Criteria: GeneDx Variant Classification (06012015). Collection method: clinical testing. Allele origin: germline. Affected: yes.
Comment: This variant is considered likely benign or benign based on one or more of the following criteria: it is a conservative change, it occurs at a poorly conserved position in the protein, it is predicted to be benign by multiple in silico algorithms, and/or has population frequency not consistent with disease.

PreventionGenetics, part of Exact Sciences
Classification: Benign. Review status: criteria provided, single submitter. Criteria: ACMG Guidelines, 2015. Collection method: clinical testing. Allele origin: germline.

NM_001256545.2(MEGF10):c.174G>A (p.Thr58=)

Gene: MEGF10 (multiple EGF like domains 10; plus strand). Cytogenetic location: 5q23.2.
Variant type: single nucleotide variant.
Coding change: c.174G>A on transcript NM_001256545.2 (MANE Select); coding-DNA position 174, G replaced by A.
Protein change: p.Thr58=; no amino-acid change (threonine 58 retained).
Molecular consequence: synonymous variant.
Genome position (GRCh38, 1-based): chr5:127,339,177, G>A. VCF-style: chr5-127339177-G-A. GRCh37 (hg19) VCF-style: chr5-126674869-G-A.
Other names: p.Thr58=; c.174G>A, p.Thr58= (NM_001308119.2, NM_001308121.2, NM_032446.3).
Identifiers: ClinVar variation 262064 (VCV000262064.28), dbSNP rs12654455, ClinGen allele CA3391190.